The following is an entry in ClinVar:

NM_022167.4(XYLT2):c.859G>A (p.Val287Met)

Gene: XYLT2 (xylosyltransferase 2; plus strand). Cytogenetic location: 17q21.33.
Variant type: single nucleotide variant.
Coding change: c.859G>A on transcript NM_022167.4 (MANE Select); coding-DNA position 859, G replaced by A.
Protein change: p.Val287Met; replaces valine 287 with methionine.
Molecular consequence: missense variant.
Genome position (GRCh38, 1-based): chr17:50,354,908, G>A. VCF-style: chr17-50354908-G-A. GRCh37 (hg19) VCF-style: chr17-48432269-G-A.
Other names: short protein forms V287M.
Identifiers: ClinVar variation 1702085 (VCV001702085.8), dbSNP rs200767788, ClinGen allele CA8646292.

ClinVar aggregate classification (germline): Uncertain significance. Review status: criteria provided, multiple submitters, no conflicts (2 of 4 stars). 4 submissions from 4 submitters: Uncertain significance (4). Last evaluated 2024-10-15.

Conditions:
Inborn genetic diseases. Identifiers: MedGen C0950123, MeSH D030342.
Osteogenesis imperfecta (OI). Identifiers: Orphanet 666, MedGen C0029434, MeSH D010013, MONDO:0019019.

Allele frequency attached by ClinVar (database versions not stated): ExAC 0.00003; gnomAD 0.00003; gnomAD exomes 0.00003 and 0.00004; TOPMed 0.00003.

Submissions (4):

Labcorp Genetics (formerly Invitae), Labcorp
Classification: Uncertain significance. Last evaluated: 2024-10-15. Review status: criteria provided, single submitter. Criteria: Invitae Variant Classification Sherloc (09022015). Collection method: clinical testing. Allele origin: germline.
Comment: This sequence change replaces valine, which is neutral and non-polar, with methionine, which is neutral and non-polar, at codon 287 of the XYLT2 protein (p.Val287Met). This variant is present in population databases (rs200767788, gnomAD 0.08%). This variant has not been reported in the literature in individuals affected with XYLT2-related conditions. ClinVar contains an entry for this variant (Variation ID: 1702085). Invitae Evidence Modeling of protein sequence and biophysical properties (such as structural, functional, and spatial information, amino acid conservation, physicochemical variation, residue mobility, and thermodynamic stability) indicates that this missense variant is not expected to disrupt XYLT2 protein function with a negative predictive value of 80%. In summary, the available evidence is currently insufficient to determine the role of this variant in disease. Therefore, it has been classified as a Variant of Uncertain Significance.

Ambry Genetics
Classification: Uncertain significance for Inborn genetic diseases. Last evaluated: 2023-12-21. Review status: criteria provided, single submitter. Criteria: Ambry Variant Classification Scheme 2023. Collection method: clinical testing. Allele origin: germline.

Blueprint Genetics
Classification: Uncertain significance. Last evaluated: 2023-11-02. Review status: criteria provided, single submitter. Criteria: ACMG Guidelines, 2015. Collection method: clinical testing. Allele origin: germline.

Genome Diagnostics Laboratory, The Hospital for Sick Children
Classification: Uncertain significance for Osteogenesis imperfecta. Last evaluated: 2019-11-01. Review status: criteria provided, single submitter. Criteria: ACMG Guidelines, 2015. Collection method: clinical testing. Allele origin: germline.